The following is an entry in ClinVar:

ClinVar aggregate classification (germline): Uncertain significance (1 of 4 stars; one submission).

Conditions:
Mucopolysaccharidosis, MPS-II (MPS2). Also called: Attenuated MPS (subtype; formerly known as mild MPS II); Severe MPS II; I2S deficiency; MPS 2; Hunter Syndrome; IDURONATE 2-SULFATASE DEFICIENCY. Identifiers: Orphanet 580, Orphanet 79388, MedGen C0026705, MONDO:0010674, OMIM 309900.

Submission:

Labcorp Genetics (formerly Invitae), Labcorp
Classification: Uncertain significance for Mucopolysaccharidosis, MPS-II. Last evaluated: 2026-01-26. Review status: criteria provided, single submitter. Criteria: Invitae Variant Classification Sherloc (09022015). Collection method: clinical testing. Allele origin: germline.
Comment: This sequence change replaces lysine, which is basic and polar, with arginine, which is basic and polar, at codon 479 of the IDS protein (p.Lys479Arg). This variant is not present in population databases (gnomAD no frequency). This variant has not been reported in the literature in individuals affected with IDS-related conditions. Invitae Evidence Modeling of protein sequence and biophysical properties (such as structural, functional, and spatial information, amino acid conservation, physicochemical variation, residue mobility, and thermodynamic stability) indicates that this missense variant is not expected to disrupt IDS protein function with a negative predictive value of 80%. In summary, the available evidence is currently insufficient to determine the role of this variant in disease. Therefore, it has been classified as a Variant of Uncertain Significance.

NM_000202.8(IDS):c.1436A>G (p.Lys479Arg)

Gene: IDS (iduronate 2-sulfatase; minus strand). Cytogenetic location: Xq28.
Variant type: single nucleotide variant.
Coding change: c.1436A>G on transcript NM_000202.8 (MANE Select); coding-DNA position 1436, A replaced by G.
Protein change: p.Lys479Arg; replaces lysine 479 with arginine.
Molecular consequence: missense variant.
Genome position (GRCh38, 1-based): chrX:149,482,963, T>C on the plus strand (A>G on the coding strand, the complement: IDS is on the minus strand). VCF-style: chrX-149482963-T-C. GRCh37 (hg19) VCF-style: chrX-148564494-T-C.
Other names: c.1166A>G, p.Lys389Arg (NM_001166550.4); short protein forms K389R, K479R.
Identifiers: ClinVar variation 4711210 (VCV004711210.1).